The following is an entry in ClinVar:

ClinVar aggregate classification (germline): Pathogenic. Review status: criteria provided, multiple submitters, no conflicts (2 of 4 stars). 2 submissions from 2 submitters: Pathogenic (2). Last evaluated 2023-12-06.

Conditions:
DICER1-related tumor predisposition. Also called: DICER1 syndrome; DICER1-related pleuropulmonary blastoma cancer predisposition syndrome. Identifiers: Orphanet 284343, MedGen C3839822, MONDO:0100216.

Submissions (2):

Labcorp Genetics (formerly Invitae), Labcorp
Classification: Pathogenic for DICER1-related tumor predisposition. Last evaluated: 2023-12-06. Review status: criteria provided, single submitter. Criteria: Invitae Variant Classification Sherloc (09022015). Collection method: clinical testing. Allele origin: germline.
Comment: This sequence change affects an acceptor splice site in intron 24 of the DICER1 gene. It is expected to disrupt RNA splicing. Variants that disrupt the donor or acceptor splice site typically lead to a loss of protein function (PMID: 16199547), and loss-of-function variants in DICER1 are known to be pathogenic (PMID: 19556464, 21266384). This variant is not present in population databases (gnomAD no frequency). Disruption of this splice site has been observed in individual(s) with clinical features of DICER1-related conditions (Invitae). In at least one individual the variant was observed to be de novo. ClinVar contains an entry for this variant (Variation ID: 659382). Algorithms developed to predict the effect of sequence changes on RNA splicing suggest that this variant may disrupt the consensus splice site. For these reasons, this variant has been classified as Pathogenic.

Foulkes Cancer Genetics LDI, Lady Davis Institute for Medical Research
Classification: Pathogenic for Pleuropulmonary blastoma. Last evaluated: 2019-07-01. Review status: criteria provided, single submitter. Criteria: ACMG Guidelines, 2015. Collection method: curation. Allele origin: unknown. Affected: yes. Observed: 1 variant allele.
Comment: ACMG criteria met: PVS1, PM1, PM2

Literature cited by the submitters: PubMed 16199547 (cited by Labcorp Genetics (formerly Invitae), Labcorp); PubMed 19556464 (cited by Labcorp Genetics (formerly Invitae), Labcorp); PubMed 21266384 (cited by Labcorp Genetics (formerly Invitae), Labcorp); PubMed 30649606 (cited by Foulkes Cancer Genetics LDI, Lady Davis Institute for Medical Research).

NM_177438.3(DICER1):c.5365-1G>A

Gene: DICER1 (dicer 1, ribonuclease III; minus strand). Cytogenetic location: 14q32.13.
Variant type: single nucleotide variant.
Coding change: c.5365-1G>A on transcript NM_177438.3 (MANE Select); the canonical splice acceptor site of the intron before coding-DNA position 5365, G replaced by A.
Molecular consequence: splice acceptor variant. On other transcripts: intron variant (1).
Genome position (GRCh38, 1-based): chr14:95,091,366, C>T on the plus strand (G>A on the coding strand, the complement: DICER1 is on the minus strand). VCF-style: chr14-95091366-C-T. GRCh37 (hg19) VCF-style: chr14-95557703-C-T.
Other names: c.5365-1G>A (NM_001291628.2, NM_030621.4, NM_001395677.1 and 7 more transcripts); c.4960-1G>A (NM_001395690.1, NM_001395687.1, NM_001395689.1 and 1 more transcripts); c.5083-1G>A (NM_001395686.1); c.4798-1G>A (NM_001395691.1); c.3682-1G>A (NM_001395697.1); c.5365-257G>A (NM_001195573.1).
Identifiers: ClinVar variation 659382 (VCV000659382.11), dbSNP rs1595315343, ClinGen allele CA390864828.